The following is an entry in ClinVar:

ClinVar aggregate classification (germline): Uncertain significance (1 of 4 stars; one submission).

Conditions:
Hereditary spastic paraplegia 53. Also called: Spastic paraplegia 53, autosomal recessive. Identifiers: Orphanet 319199, MedGen C3539494, MONDO:0013962, OMIM 614898.

Allele frequency attached by ClinVar (database versions not stated): gnomAD exomes below 0.00001 and 0.00001; TOPMed below 0.00001; ExAC 0.00001; gnomAD 0.00001.
gnomAD v4.1: 6 of 1,614,014 alleles (0.00037%); highest among the groups gnomAD compares: Non-Finnish European, 0.00051%; no homozygotes.

Submission:

Labcorp Genetics (formerly Invitae), Labcorp
Classification: Uncertain significance for Hereditary spastic paraplegia 53. Last evaluated: 2023-10-05. Review status: criteria provided, single submitter. Criteria: Invitae Variant Classification Sherloc (09022015). Collection method: clinical testing. Allele origin: germline.
Comment: This sequence change replaces threonine, which is neutral and polar, with isoleucine, which is neutral and non-polar, at codon 187 of the VPS37A protein (p.Thr187Ile). This variant is present in population databases (rs759995761, gnomAD 0.002%). This variant has not been reported in the literature in individuals affected with VPS37A-related conditions. ClinVar contains an entry for this variant (Variation ID: 1472602). Advanced modeling of protein sequence and biophysical properties (such as structural, functional, and spatial information, amino acid conservation, physicochemical variation, residue mobility, and thermodynamic stability) performed at Invitae indicates that this missense variant is not expected to disrupt VPS37A protein function. In summary, the available evidence is currently insufficient to determine the role of this variant in disease. Therefore, it has been classified as a Variant of Uncertain Significance.

NM_152415.3(VPS37A):c.560C>T (p.Thr187Ile)

Gene: VPS37A (VPS37A subunit of ESCRT-I; plus strand). Cytogenetic location: 8p22.
Variant type: single nucleotide variant.
Coding change: c.560C>T on transcript NM_152415.3 (MANE Select); coding-DNA position 560, C replaced by T.
Protein change: p.Thr187Ile; replaces threonine 187 with isoleucine.
Molecular consequence: missense variant.
Genome position (GRCh38, 1-based): chr8:17,274,876, C>T. VCF-style: chr8-17274876-C-T. GRCh37 (hg19) VCF-style: chr8-17132385-C-T.
Other names: c.485C>T, p.Thr162Ile (NM_001145152.2); c.560C>T, p.Thr187Ile (NM_001363167.1, NM_001363173.2); c.290C>T, p.Thr97Ile (NM_001363168.1, NM_001363169.1, NM_001363170.1 and 2 more transcripts); short protein forms T162I, T187I, T97I.
Identifiers: ClinVar variation 1472602 (VCV001472602.8), dbSNP rs759995761, ClinGen allele CA4643355.